The following continues an entry in ClinVar:

NM_000059.4(BRCA2):c.7865A>G (p.Asn2622Ser)

Gene: BRCA2. ClinVar aggregate classification (germline): Uncertain significance. Uncertain significance (14).

Submissions 6 to 16 of 16:

All of Us Research Program, National Institutes of Health
Classification: Uncertain significance for BRCA2-related cancer predisposition. Last evaluated: 2024-08-23. Review status: criteria provided, single submitter. Criteria: ACMG Guidelines, 2015. Collection method: clinical testing. Allele origin: germline. Inheritance: Autosomal dominant inheritance. Observed: 3 variant alleles, 3 heterozygotes.
Comment: This missense variant replaces asparagine with serine at codon 2622 of the BRCA2 protein. Computational prediction suggests that this variant may have deleterious impact on protein structure and function. Functional studies have reported conflicting impacts of this variant on BRCA2. Two studies have reported that this variant impacts BRCA2 homology-directed repair activity and in the rescue of PARP inhibitor and carboplatin sensitivities in BRCA2-deficient cells (PMID: 29884841, 32444794). However, a third study reported that this variant does not impact the rescue of cell viability and partially impacts drug sensitivity in Brca2-deficient mouse embryonic stem cell assays (PMID: 33293522). A multifactorial analysis has reported a likelihood ratio for pathogenicity based on personal and family history of 5.955 from log(LR)=0.774858177 (PMID: 31853058). This variant has been observed in an individual affected with breast cancer (PMID: 25186627). This variant also has been reported in 1 individual age 70 years or older without cancer in the FLOSSIES database and identified in 8/282658 chromosomes in the general population by the Genome Aggregation Database (gnomAD). The available evidence is insufficient to determine the role of this variant in disease conclusively. Therefore, this variant is classified as a Variant of Uncertain Significance.

This study involves interpretation of variants in research participants for the purpose of population health screening. Participant phenotype was not available at the time of variant classification. Additional details can be found in publication PMID: 35346344, PMCID: PMC8962531

Color Diagnostics, LLC DBA Color Health
Classification: Uncertain significance for Hereditary cancer-predisposing syndrome. Last evaluated: 2024-08-08. Review status: criteria provided, single submitter. Criteria: ACMG Guidelines, 2015. Collection method: clinical testing. Allele origin: germline.
Comment: This missense variant replaces asparagine with serine at codon 2622 of the BRCA2 protein. Computational prediction suggests that this variant may have deleterious impact on protein structure and function. Functional studies have reported conflicting impacts of this variant on BRCA2. Two studies have reported that this variant impacts BRCA2 homology-directed repair activity and in the rescue of PARP inhibitor and carboplatin sensitivities in BRCA2-deficient cells (PMID: 29884841, 32444794). However, a third study reported that this variant does not impact the rescue of cell viability and partially impacts drug sensitivity in Brca2-deficient mouse embryonic stem cell assays (PMID: 33293522). A multifactorial analysis has reported a likelihood ratio for pathogenicity based on personal and family history of 5.955 from log(LR)=0.774858177 (PMID: 31853058). This variant has been observed in an individual affected with breast cancer (PMID: 25186627). This variant also has been reported in 1 individual age 70 years or older without cancer in the FLOSSIES database and identified in 8/282658 chromosomes in the general population by the Genome Aggregation Database (gnomAD). The available evidence is insufficient to determine the role of this variant in disease conclusively. Therefore, this variant is classified as a Variant of Uncertain Significance.

Mayo Clinic Laboratories, Mayo Clinic
Classification: Uncertain significance. Last evaluated: 2024-07-30. Review status: criteria provided, single submitter. Criteria: ACMG Guidelines, 2015. Collection method: clinical testing. Allele origin: germline. Observed: 1 variant allele.
Comment: BS1

Baylor Genetics
Classification: Uncertain significance for Familial cancer of breast. Last evaluated: 2023-12-03. Review status: criteria provided, single submitter. Criteria: ACMG Guidelines, 2015. Collection method: clinical testing. Allele origin: unknown.

Fulgent Genetics
Classification: Uncertain significance for Familial cancer of breast; Medulloblastoma; Familial prostate cancer; Wilms tumor 1; Fanconi anemia complementation group D1; Breast-ovarian cancer, familial, susceptibility to, 2; Glioma susceptibility 3; Pancreatic cancer, susceptibility to, 2. Last evaluated: 2022-03-27. Review status: criteria provided, single submitter. Criteria: ACMG Guidelines, 2015. Collection method: clinical testing. Allele origin: unknown.

Genetic Services Laboratory, University of Chicago
Classification: Uncertain significance. Last evaluated: 2021-11-23. Review status: criteria provided, single submitter. Criteria: ACMG Guidelines, 2015. Collection method: clinical testing. Allele origin: germline. Affected: no.

Department of Pathology and Laboratory Medicine, Sinai Health System
Classification: Uncertain significance for Familial cancer of breast; Breast-ovarian cancer, familial, susceptibility to, 2. Last evaluated: 2021-08-16. Review status: criteria provided, single submitter. Criteria: ACMG Guidelines, 2015. Collection method: clinical testing. Allele origin: germline. Affected: yes.

Molecular Genetics Laboratory, University of Michigan
Classification: Uncertain significance for Breast-ovarian cancer, familial, susceptibility to, 2. Last evaluated: 2016-04-21. Review status: criteria provided, single submitter. Criteria: ACMG Guidelines, 2015. Collection method: clinical testing. Allele origin: germline. Affected: yes.

Eurofins Ntd Llc (ga)
Classification: Uncertain significance. Last evaluated: 2014-07-16. Review status: criteria provided, single submitter. Criteria: EGL Classification Definitions 2015. Collection method: clinical testing. Allele origin: germline. Observed: 1 variant allele, 1 heterozygote.

Counsyl
Classification: Uncertain significance for Breast-ovarian cancer, familial, susceptibility to, 2. Last evaluated: 2018-02-16. Review status: no assertion criteria provided. Collection method: clinical testing. Allele origin: unknown. Not counted in ClinVar's aggregate classification.

Sharing Clinical Reports Project (SCRP)
Classification: Likely pathogenic for Breast-ovarian cancer, familial 2. Last evaluated: 2013-01-10. Review status: no assertion criteria provided. Collection method: clinical testing. Allele origin: germline. Not counted in ClinVar's aggregate classification.

Literature cited by the submitters: PubMed 25186627 (cited by 9 submitters); PubMed 29884841 (cited by 8 submitters); PubMed 32444794 (cited by 7 submitters); PubMed 33609447 (cited by 5 submitters); PubMed 33293522 (cited by 7 submitters); PubMed 32832836 (cited by Ambry Genetics and Quest Diagnostics Nichols Institute San Juan Capistrano); PubMed 39779848 (cited by Ambry Genetics); PubMed 39779857 (cited by Ambry Genetics); PubMed 31853058 (cited by All of Us Research Program, National Institutes of Health and Color Diagnostics, LLC DBA Color Health).